The following is an entry in ClinVar:

NM_001009944.3(PKD1):c.11961C>T (p.Ala3987=)

Gene: PKD1 (polycystin 1, transient receptor potential channel interacting; minus strand). Cytogenetic location: 16p13.3.
Variant type: single nucleotide variant.
Coding change: c.11961C>T on transcript NM_001009944.3 (MANE Select); coding-DNA position 11961, C replaced by T.
Protein change: p.Ala3987=; no amino-acid change (alanine 3987 retained).
Molecular consequence: synonymous variant.
Genome position (GRCh38, 1-based): chr16:2,090,926, G>A on the plus strand (C>T on the coding strand, the complement: PKD1 is on the minus strand). VCF-style: chr16-2090926-G-A. GRCh37 (hg19) VCF-style: chr16-2140927-G-A.
Other names: p.Ala3987=; c.11958C>T, p.Ala3986= (NM_000296.4).
Identifiers: ClinVar variation 256911 (VCV000256911.19), dbSNP rs116236042, ClinGen allele CA7828929.

ClinVar aggregate classification (germline): Benign. Review status: criteria provided, multiple submitters, no conflicts (2 of 4 stars). 8 submissions from 8 submitters: Benign (7). 1 of the submissions does not count toward it. Last evaluated 2025-04-25.

Conditions:
Polycystic kidney disease, adult type (PKD1). Also called: POLYCYSTIC KIDNEY DISEASE, ADULT, TYPE I; Polycystic Kidney Disease 1, Autosomal Dominant; Polycystic kidney disease 1; Polycystic kidney disease 1, severe; POLYCYSTIC KIDNEY DISEASE 1 WITH OR WITHOUT POLYCYSTIC LIVER DISEASE; Polycystic Kidney, Autosomal Dominant. Identifiers: MedGen C3149841, MONDO:0008263, OMIM 173900.
Polycystic kidney disease. Also called: Kidney, Polycystic; Polycystic kidney dysplasia. Identifiers: MedGen C0022680, MeSH D007690, MONDO:0020642, HP:0000113.

Allele frequency attached by ClinVar (database versions not stated): gnomAD exomes 0.00460; ExAC 0.00799; ESP Exome Variant Server 0.01569; gnomAD 0.01780 and 0.01894; TOPMed 0.02112; 1000 Genomes Project 0.02256; 1000 Genomes Project 30x 0.02342.
gnomAD v4.1: 5,382 of 1,582,776 alleles (0.34%); highest among the groups gnomAD compares: African/African-American, 6.3%; 172 homozygotes.

Submissions (8):

Women's Health and Genetics/Laboratory Corporation of America, LabCorp
Classification: Benign. Last evaluated: 2025-04-25. Review status: criteria provided, single submitter. Criteria: LabCorp Variant Classification Summary - May 2015. Collection method: clinical testing. Allele origin: germline.

Mayo Clinic Laboratories, Mayo Clinic
Classification: Benign. Last evaluated: 2023-03-26. Review status: criteria provided, single submitter. Criteria: ACMG Guidelines, 2015. Collection method: clinical testing. Allele origin: germline. Observed: 6 variant alleles.

ARUP Laboratories, Molecular Genetics and Genomics, ARUP Laboratories
Classification: Benign for Polycystic kidney disease, adult type. Last evaluated: 2020-05-11. Review status: criteria provided, single submitter. Criteria: ARUP Molecular Germline Variant Investigation Process. Collection method: clinical testing. Allele origin: germline.

GeneDx
Classification: Benign. Last evaluated: 2020-01-14. Review status: criteria provided, single submitter. Criteria: GeneDx Variant Classification Process June 2021. Collection method: clinical testing. Allele origin: germline. Affected: yes.

Athena Diagnostics
Classification: Benign for Polycystic kidney disease, adult type. Last evaluated: 2017-05-02. Review status: criteria provided, single submitter. Criteria: Athena Diagnostics Criteria. Collection method: clinical testing. Allele origin: germline.

Breakthrough Genomics
Classification: Benign. Review status: criteria provided, single submitter. Criteria: ACMG Guidelines, 2015. Collection method: not provided. Allele origin: germline. Inheritance: Autosomal dominant inheritance. Affected: yes.

PreventionGenetics, part of Exact Sciences
Classification: Benign. Review status: criteria provided, single submitter. Criteria: ACMG Guidelines, 2015. Collection method: clinical testing. Allele origin: germline.

Department of Pathology and Laboratory Medicine, Sinai Health System
Classification: Benign for Polycystic Kidney disease. Review status: no assertion criteria provided. Collection method: clinical testing. Allele origin: unknown. Affected: yes. Observed: 1 variant allele. Study: The Canadian Open Genetics Repository (COGR). Not counted in ClinVar's aggregate classification.
Comment: The PKD1 p.Ala3987Ala variant was identified in 2 of 90 proband chromosomes (frequency: 0.22) from individuals or families with ADPKD (Rossetti 2002). This variant was identified in the 1000 Genomes Project in 113 of 5000 chromosomes (frequency: 0.0226), NHLBI GO Exome Sequencing Project in 3 of 8366 European American alleles (frequency: 0.000358594), and 195 of 4250 African American alleles (frequency: 0.045882353), Exome Aggregation Consortium database (August 8, 2016) in 378 (7 homozygous) of 47294 chromosomes (frequency: 0.007993) in the following populations: African in 353 of 3340 chromosomes (frequency: 0.1057) Latino in 19 of 3822 chromosomes (frequency: 0.004971) European (Non-Finnish) in 4 of 23962 chromosomes (frequency: 0.0001669) South Asian in 1 of 10920 chromosomes (frequency: 0.00009158) and Other in 1 of 344 chromosomes (frequency: 00.002907), but was not seen in East Asian and European (Finnish) populations, increasing the likelihood that this may be a low frequency benign variant in certain populations of origin. In addition we cannot be certain that data from control databases is specific to PKD1 and not from one of the six PKD1 pseudogenes. The variant was also identified in dbSNP (ID: rs116236042) as â€šÃ„ÃºWith Benign alleleâ€šÃ„Ã¹, ClinVar and Clinvitae (benign, by Prevention Genetics), ADPKD Mutation Database (Likely neutral). The p.Ala3987Ala variant is not expected to have clinical significance because it does not result in a change of amino acid and is not located in a known consensus splice site. In addition, in silico or computational prediction software programs (SpliceSiteFinder, MaxEntScan, NNSPLICE, GeneSplicer, HumanSpliceFinder) do not predict a difference in splicing. In summary, based on the above information, this variant meets our laboratory criteria to be classified as benign.